The following is an entry in ClinVar:

NM_030632.3(ASXL3):c.3889C>A (p.Pro1297Thr)

Gene: ASXL3 (ASXL transcriptional regulator 3; plus strand). Cytogenetic location: 18q12.1.
Variant type: single nucleotide variant.
Coding change: c.3889C>A on transcript NM_030632.3 (MANE Select); coding-DNA position 3889, C replaced by A.
Protein change: p.Pro1297Thr; replaces proline 1297 with threonine.
Molecular consequence: missense variant.
Genome position (GRCh38, 1-based): chr18:33,743,737, C>A. VCF-style: chr18-33743737-C-A. GRCh37 (hg19) VCF-style: chr18-31323701-C-A.
Other names: short protein forms P1297T.
Identifiers: ClinVar variation 4992824 (VCV004992824.1).

ClinVar aggregate classification (germline): Uncertain significance (1 of 4 stars; one submission).

Conditions:
ASXL3-related disorder. Also called: ASXL3-related condition. Identifiers: MedGen CN381524.

gnomAD v4.1: 1 of 1,613,878 alleles (0.000062%); highest among the groups gnomAD compares: South Asian, 0.0011%; no homozygotes.

Submission:

PreventionGenetics, part of Exact Sciences
Classification: Uncertain significance for ASXL3-related condition. Last evaluated: 2026-09-03. Review status: criteria provided, single submitter. Criteria: ACMG Guidelines, 2015. Collection method: clinical testing. Allele origin: germline.
Comment: The ASXL3 c.3889C>A variant is predicted to result in the amino acid substitution p.Pro1297Thr. To our knowledge, this variant has not been reported in the literature or in a large population database (gnomAD), indicating this variant is rare. At this time, the clinical significance of this variant is uncertain due to the absence of conclusive functional and genetic evidence.